The following is an entry in ClinVar:

ClinVar aggregate classification (germline): Uncertain significance (1 of 4 stars; one submission).

Conditions:
Legius syndrome. Identifiers: Orphanet 137605, MedGen C1969623, MONDO:0012669, OMIM 611431. Disease mechanism: loss of function.

gnomAD v4.1: 1 of 1,613,890 alleles (0.000062%); highest among the groups gnomAD compares: Non-Finnish European, 0.000085%; no homozygotes.

Submission:

Labcorp Genetics (formerly Invitae), Labcorp
Classification: Uncertain significance for Legius syndrome. Last evaluated: 2021-10-03. Review status: criteria provided, single submitter. Criteria: Invitae Variant Classification Sherloc (09022015). Collection method: clinical testing. Allele origin: germline.
Comment: In summary, the available evidence is currently insufficient to determine the role of this variant in disease. Therefore, it has been classified as a Variant of Uncertain Significance. Algorithms developed to predict the effect of missense changes on protein structure and function (SIFT, PolyPhen-2, Align-GVGD) all suggest that this variant is likely to be tolerated. This variant has not been reported in the literature in individuals affected with SPRED1-related conditions. This variant is not present in population databases (ExAC no frequency). This sequence change replaces serine with glycine at codon 149 of the SPRED1 protein (p.Ser149Gly). The serine residue is weakly conserved and there is a small physicochemical difference between serine and glycine.

NM_152594.3(SPRED1):c.445A>G (p.Ser149Gly)

Gene: SPRED1 (sprouty related EVH1 domain containing 1; plus strand). Cytogenetic location: 15q14.
Variant type: single nucleotide variant.
Coding change: c.445A>G on transcript NM_152594.3 (MANE Select); coding-DNA position 445, A replaced by G.
Protein change: p.Ser149Gly; replaces serine 149 with glycine.
Molecular consequence: missense variant.
Genome position (GRCh38, 1-based): chr15:38,339,758, A>G. VCF-style: chr15-38339758-A-G. GRCh37 (hg19) VCF-style: chr15-38631959-A-G.
Other names: short protein forms S149G.
Identifiers: ClinVar variation 1474292 (VCV001474292.6), dbSNP rs2141007736, ClinGen allele CA391932449.